The following is an entry in ClinVar:

ClinVar aggregate classification (germline): Likely benign (1 of 4 stars; one submission).

Conditions:
POMT2-related disorder. Also called: POMT2-related condition.

gnomAD v4.1: 5 of 1,574,934 alleles (0.00032%); highest among the groups gnomAD compares: Middle Eastern, 0.023%; no homozygotes.

Submission:

PreventionGenetics, part of Exact Sciences
Classification: Likely benign for POMT2-related condition. Last evaluated: 2025-05-12. Review status: criteria provided, single submitter. Criteria: ACMG Guidelines, 2015. Collection method: clinical testing. Allele origin: germline.
Comment: This variant is classified as likely benign based on ACMG/AMP sequence variant interpretation guidelines (Richards et al. 2015 PMID: 25741868, with internal and published modifications).

NM_013382.7(POMT2):c.-49C>T

Genes: POMT2 (protein O-mannosyltransferase 2; minus strand), LOC130056177 (ATAC-STARR-seq lymphoblastoid silent region 5970; plus strand). Cytogenetic location: 14q24.3.
Variant type: single nucleotide variant.
Coding change: c.-49C>T on transcript NM_013382.7 (MANE Select); 49 bases upstream of the start codon, C replaced by T.
Molecular consequence: 5 prime UTR variant.
Genome position (GRCh38, 1-based): chr14:77,320,730, G>A on the plus strand (C>T on the coding strand, the complement: POMT2 is on the minus strand). VCF-style: chr14-77320730-G-A. GRCh37 (hg19) VCF-style: chr14-77787073-G-A.
Identifiers: ClinVar variation 4980058 (VCV004980058.1).